The following is an entry in ClinVar:

ClinVar aggregate classification (germline): Uncertain significance (1 of 4 stars; one submission).

Conditions:
Blau syndrome (BLAUS). Also called: GRANULOMATOSIS, FAMILIAL JUVENILE SYSTEMIC; GRANULOMATOSIS, FAMILIAL, BLAU TYPE; GRANULOMATOUS INFLAMMATORY ARTHRITIS, DERMATITIS, AND UVEITIS, FAMILIAL; JABS SYNDROME; ARTHROCUTANEOUVEAL GRANULOMATOSIS. Identifiers: Orphanet 90340, MedGen C5201146, MONDO:0008523, OMIM 186580.
Regional enteritis. Also called: Enteritis, Granulomatous. Identifiers: MedGen C0678202, MeSH D003424.

Allele frequency attached by ClinVar (database versions not stated): gnomAD 0.00002; gnomAD exomes 0.00002 and 0.00003; TOPMed 0.00002; ExAC 0.00003.
gnomAD v4.1: 47 of 1,613,758 alleles (0.0029%); highest among the groups gnomAD compares: Non-Finnish European, 0.0039%; no homozygotes.

Submission:

Labcorp Genetics (formerly Invitae), Labcorp
Classification: Uncertain significance for Regional enteritis; Blau syndrome. Last evaluated: 2025-10-12. Review status: criteria provided, single submitter. Criteria: Invitae Variant Classification Sherloc (09022015). Collection method: clinical testing. Allele origin: germline.
Comment: This sequence change replaces glutamic acid, which is acidic and polar, with glycine, which is neutral and non-polar, at codon 958 of the NOD2 protein (p.Glu958Gly). This variant is present in population databases (rs746965976, gnomAD 0.005%). This variant has not been reported in the literature in individuals affected with NOD2-related conditions. ClinVar contains an entry for this variant (Variation ID: 863475). Invitae Evidence Modeling of protein sequence and biophysical properties (such as structural, functional, and spatial information, amino acid conservation, physicochemical variation, residue mobility, and thermodynamic stability) has been performed for this missense variant. However, the output from this modeling did not meet the statistical confidence thresholds required to predict the impact of this variant on NOD2 protein function. In summary, the available evidence is currently insufficient to determine the role of this variant in disease. Therefore, it has been classified as a Variant of Uncertain Significance.

NM_001370466.1(NOD2):c.2792A>G (p.Glu931Gly)

Gene: NOD2 (nucleotide binding oligomerization domain containing 2; plus strand). Cytogenetic location: 16q12.1.
Variant type: single nucleotide variant.
Coding change: c.2792A>G on transcript NM_001370466.1 (MANE Select); coding-DNA position 2792, A replaced by G.
Protein change: p.Glu931Gly; replaces glutamic acid 931 with glycine.
Molecular consequence: missense variant. On other transcripts: non-coding transcript variant (1).
Genome position (GRCh38, 1-based): chr16:50,723,375, A>G. VCF-style: chr16-50723375-A-G. GRCh37 (hg19) VCF-style: chr16-50757286-A-G.
Other names: c.2792A>G, p.Glu931Gly (NM_001293557.2); c.2873A>G, p.Glu958Gly (NM_022162.3); short protein forms E958G, E931G.
Identifiers: ClinVar variation 863475 (VCV000863475.9), dbSNP rs746965976, ClinGen allele CA8052003.